The following is an entry in ClinVar:

NM_001267550.2(TTN):c.95153G>T (p.Ser31718Ile)

Genes: TTN (titin; minus strand), TTN-AS1 (TTN antisense RNA 1; plus strand). Cytogenetic location: 2q31.2.
Variant type: single nucleotide variant.
Coding change: c.95153G>T on transcript NM_001267550.2 (MANE Select); coding-DNA position 95153, G replaced by T.
Protein change: p.Ser31718Ile; replaces serine 31718 with isoleucine.
Molecular consequence: missense variant.
Genome position (GRCh38, 1-based): chr2:178,546,083, C>A on the plus strand (G>T on the coding strand, the complement: TTN is on the minus strand). VCF-style: chr2-178546083-C-A. GRCh37 (hg19) VCF-style: chr2-179410810-C-A.
Other names: c.95153G>T (NM_001267550.1); c.90230G>T, p.Ser30077Ile (NM_001256850.1); c.67958G>T, p.Ser22653Ile (NM_003319.4); c.87449G>T, p.Ser29150Ile (NM_133378.4); c.68333G>T, p.Ser22778Ile (NM_133432.3); c.68534G>T, p.Ser22845Ile (NM_133437.4); short protein forms S31718I, S22778I, S22845I, S22653I, S29150I, S30077I.
Identifiers: ClinVar variation 404799 (VCV000404799.13), dbSNP rs758006837, ClinGen allele CA1986997.

ClinVar aggregate classification (germline): Conflicting classifications of pathogenicity. Review status: criteria provided, conflicting classifications (1 of 4 stars). 10 submissions from 6 submitters: Uncertain significance (8); Benign (2). Last evaluated 2025-10-29.

Conditions:
TTN-related disorder. Also called: TTN-related disorders; TTN-related condition; TTN-related disease.
Autosomal recessive limb-girdle muscular dystrophy type 2J (LGMDR10). Also called: Limb-girdle muscular dystrophy, type 2J; MUSCULAR DYSTROPHY, LIMB-GIRDLE, AUTOSOMAL RECESSIVE 10. Identifiers: Orphanet 140922, MedGen C1837342, MONDO:0012127, OMIM 608807.
Dilated cardiomyopathy 1G (CMD1G). Identifiers: Orphanet 154, MedGen C1858763, MONDO:0011400, OMIM 604145.
Early-onset myopathy with fatal cardiomyopathy (CMYO5). Also called: Salih Myopathy; CONGENITAL MYOPATHY 5 WITH CARDIOMYOPATHY. Identifiers: Orphanet 289377, MedGen C2673677, MONDO:0012714, OMIM 611705. Disease mechanism: loss of function.
Tibial muscular dystrophy (TMD). Also called: UDD MYOPATHY; Tibial muscular dystrophy, tardive; Udd Distal Myopathy – Tibial Muscular Dystrophy. Identifiers: Orphanet 609, MedGen C1838244, MONDO:0010870, OMIM 600334.
Myopathy, myofibrillar, 9, with early respiratory failure (MFM9). Also called: Hereditary myopathy with early respiratory failure; MYOPATHY, PROXIMAL, WITH EARLY RESPIRATORY MUSCLE INVOLVEMENT; EDSTROM MYOPATHY; Myopathy, distal, with early respiratory failure, autosomal dominant. Identifiers: Orphanet 178464, Orphanet 34521, MedGen C1863599, MONDO:0011362, OMIM 603689.

Allele frequency attached by ClinVar (database versions not stated): ExAC 0.00002; gnomAD exomes 0.00002; gnomAD 0.00003 and 0.00004; TOPMed 0.00003.
gnomAD v4.1: 141 of 1,611,446 alleles (0.0087%); highest among the groups gnomAD compares: Non-Finnish European, 0.011%; no homozygotes.

Submissions (10):

GeneDx
Classification: Uncertain significance. Last evaluated: 2025-10-29. Review status: criteria provided, single submitter. Criteria: GeneDx Variant Classification Process June 2021. Collection method: clinical testing. Allele origin: germline. Affected: yes.
Comment: Has not been previously published as pathogenic or benign to our knowledge; In silico analysis supports that this missense variant has a deleterious effect on protein structure/function; This variant is associated with the following publications: (PMID: 24578547)

PreventionGenetics, part of Exact Sciences
Classification: Uncertain significance for TTN-related condition. Last evaluated: 2025-08-12. Review status: criteria provided, single submitter. Criteria: ACMG Guidelines, 2015. Collection method: clinical testing. Allele origin: germline.
Comment: The TTN c.95153G>T variant is predicted to result in the amino acid substitution p.Ser31718Ile. To our knowledge, this variant has not been reported in the literature. This variant is reported in 0.0063% of alleles in individuals of European (Non-Finnish) descent in gnomAD. Although we suspect that this variant may be benign, at this time, the clinical significance of this variant is uncertain due to the absence of conclusive functional and genetic evidence.

Revvity Omics, Revvity
Classification: Uncertain significance. Last evaluated: 2022-06-29. Review status: criteria provided, single submitter. Criteria: ACMG Guidelines, 2015. Collection method: clinical testing. Allele origin: germline.

Athena Diagnostics
Classification: Uncertain significance. Last evaluated: 2021-04-01. Review status: criteria provided, single submitter. Criteria: Athena Diagnostics criteria. Collection method: clinical testing. Allele origin: unknown.

Illumina Laboratory Services, Illumina
Classification: Uncertain significance for Early-onset myopathy with fatal cardiomyopathy. Last evaluated: 2018-03-16. Review status: criteria provided, single submitter. Criteria: ICSL Variant Classification Criteria 13 December 2019. Collection method: clinical testing. Allele origin: germline.

Illumina Laboratory Services, Illumina
Classification: Uncertain significance for Dilated cardiomyopathy 1G. Last evaluated: 2018-03-16. Review status: criteria provided, single submitter. Criteria: ICSL Variant Classification Criteria 13 December 2019. Collection method: clinical testing. Allele origin: germline.

Illumina Laboratory Services, Illumina
Classification: Uncertain significance for Autosomal recessive limb-girdle muscular dystrophy type 2J. Last evaluated: 2018-03-16. Review status: criteria provided, single submitter. Criteria: ICSL Variant Classification Criteria 13 December 2019. Collection method: clinical testing. Allele origin: germline.

Illumina Laboratory Services, Illumina
Classification: Benign for Myopathy, myofibrillar, 9, with early respiratory failure. Last evaluated: 2018-03-12. Review status: criteria provided, single submitter. Criteria: ICSL Variant Classification Criteria 13 December 2019. Collection method: clinical testing. Allele origin: germline.
Comment: This variant was observed in the ICSL laboratory as part of a predisposition screen in an ostensibly healthy population. It had not been previously curated by ICSL or reported in the Human Gene Mutation Database (HGMD: prior to June 1st, 2018), and was therefore a candidate for classification through an automated scoring system. Utilizing variant allele frequency, disease prevalence and penetrance estimates, and inheritance mode, an automated score was calculated to assess if this variant is too frequent to cause the disease. Based on the score and internal cut-off values, a variant classified as benign is not then subjected to further curation. The score for this variant resulted in a classification of benign for this disease.

Illumina Laboratory Services, Illumina
Classification: Benign for Tibial muscular dystrophy. Last evaluated: 2018-03-12. Review status: criteria provided, single submitter. Criteria: ICSL Variant Classification Criteria 13 December 2019. Collection method: clinical testing. Allele origin: germline.
Comment: the same text as in the submission from Illumina Laboratory Services, Illumina above.

Labcorp Genetics (formerly Invitae), Labcorp
Classification: Uncertain significance for Dilated cardiomyopathy 1G; Autosomal recessive limb-girdle muscular dystrophy type 2J. Last evaluated: 2016-05-30. Review status: criteria provided, single submitter. Criteria: Invitae Variant Classification Sherloc (09022015). Collection method: clinical testing. Allele origin: germline.